The following is an entry in ClinVar:

NC_000001.10:g.(?_63836649)_(63836750_?)del

Gene: ALG6 (ALG6 alpha-1,3-glucosyltransferase; plus strand). Cytogenetic location: 1p31.3.
Variant type: Deletion.
Identifiers: ClinVar variation 1456351 (VCV001456351.5).

ClinVar aggregate classification (germline): Pathogenic (1 of 4 stars; one submission).

Conditions:
ALG6-congenital disorder of glycosylation 1C (CDG1C). Also called: Congenital disorder of glycosylation, type Ic; CDG Ic; CARBOHYDRATE-DEFICIENT GLYCOPROTEIN SYNDROME, TYPE I, WITH DEFICIENT GLYCOSYLATION OF DOLICHOL-LINKED OLIGOSACCHARIDE; CARBOHYDRATE-DEFICIENT GLYCOPROTEIN SYNDROME, TYPE V; Congenital disorder of glycosylation type 1C. Identifiers: Orphanet 79320, MedGen C2930997, MONDO:0011291, OMIM 603147.

Submission:

Labcorp Genetics (formerly Invitae), Labcorp
Classification: Pathogenic for ALG6-congenital disorder of glycosylation 1C. Last evaluated: 2023-01-31. Review status: criteria provided, single submitter. Criteria: Invitae Variant Classification Sherloc (09022015). Collection method: clinical testing. Allele origin: germline.
Comment: This variant is a gross deletion of the genomic region encompassing exon(s) 2 of the ALG6 gene, which includes the initiator codon. This deletion extends beyond the assayed region for this gene and therefore may encompass additional genes. It is expected to result in an absent or disrupted protein product. Loss-of-function variants in ALG6 are known to be pathogenic (PMID: 19862844). For these reasons, this variant has been classified as Pathogenic. This variant has not been reported in the literature in individuals affected with ALG6-related conditions.

Literature cited by the submitters: PubMed 19862844.